The following is an entry in ClinVar:

NM_001368397.1(FRMPD4):c.943G>A (p.Asp315Asn)

Gene: FRMPD4 (FERM and PDZ domain containing 4; plus strand). Cytogenetic location: Xp22.2.
Variant type: single nucleotide variant.
Coding change: c.943G>A on transcript NM_001368397.1 (MANE Select); coding-DNA position 943, G replaced by A.
Protein change: p.Asp315Asn; replaces aspartic acid 315 with asparagine.
Molecular consequence: missense variant.
Genome position (GRCh38, 1-based): chrX:12,701,883, G>A. VCF-style: chrX-12701883-G-A. GRCh37 (hg19) VCF-style: chrX-12720002-G-A.
Other names: c.1054G>A, p.Asp352Asn (NM_001368395.3, NM_001368398.3); c.949G>A, p.Asp317Asn (NM_001368396.3); c.934G>A, p.Asp312Asn (NM_001368399.3); c.823G>A, p.Asp275Asn (NM_001368400.3); c.919G>A, p.Asp307Asn (NM_001368401.1, NM_001368402.3); c.943G>A, p.Asp315Asn (NM_014728.3); short protein forms D275N, D307N, D312N, D315N, D317N, D352N.
Identifiers: ClinVar variation 3906728 (VCV003906728.1).
Genomic context (GRCh38, chrX:12,701,883, plus strand): 5'-CGCTGCGGCCTATTCTTTGACAAGCTGTGCCCCCTGCTGGTCTCTTCGCAGAGTTGTAAC[G>A]ATGTGGTTCAGGAGCGATTTGGGCCGGAGCTGAAATATGACATAGCCCTGCGGCTGGCCG-3'
Protein context (NP_001355326.1, residues 305-325): FEYLYVQSCN[Asp315Asn]VVQERFGPEL

ClinVar aggregate classification (germline): Uncertain significance (1 of 4 stars; one submission).

Submission:

GeneDx
Classification: Uncertain significance. Last evaluated: 2024-12-18. Review status: criteria provided, single submitter. Criteria: GeneDx Variant Classification Process June 2021. Collection method: clinical testing. Allele origin: germline. Affected: yes.
Comment: Not observed at significant frequency in large population cohorts (gnomAD); In silico analysis supports that this missense variant has a deleterious effect on protein structure/function; Has not been previously published as pathogenic or benign to our knowledge